The following is an entry in ClinVar:

NM_014875.3(KIF14):c.1927C>G (p.Gln643Glu)

Gene: KIF14 (kinesin family member 14; minus strand). Cytogenetic location: 1q32.1.
Variant type: single nucleotide variant.
Coding change: c.1927C>G on transcript NM_014875.3 (MANE Select); coding-DNA position 1927, C replaced by G.
Protein change: p.Gln643Glu; replaces glutamine 643 with glutamic acid.
Molecular consequence: missense variant.
Genome position (GRCh38, 1-based): chr1:200,603,278, G>C on the plus strand (C>G on the coding strand, the complement: KIF14 is on the minus strand). VCF-style: chr1-200603278-G-C. GRCh37 (hg19) VCF-style: chr1-200572406-G-C.
Other names: c.454C>G, p.Gln152Glu (NM_001305792.1); short protein forms Q152E, Q643E.
Identifiers: ClinVar variation 4042906 (VCV004042906.3).

ClinVar aggregate classification (germline): Likely benign. Review status: criteria provided, multiple submitters, no conflicts (2 of 4 stars). 2 submissions from 2 submitters: Likely benign (2). Last evaluated 2026-05-01.

Conditions:
Inborn genetic diseases. Identifiers: MedGen C0950123, MeSH D030342.

gnomAD v4.1: 148 of 1,609,532 alleles (0.0092%); highest among the groups gnomAD compares: South Asian, 0.15%; 1 homozygote.

Submissions (2):

CeGaT Center for Human Genetics Tuebingen
Classification: Likely benign. Last evaluated: 2026-05-01. Review status: criteria provided, single submitter. Criteria: CeGaT Center For Human Genetics Tuebingen Variant Classification Criteria Version 2. Collection method: clinical testing. Allele origin: germline. Affected: yes. Observed: 1 variant allele.
Comment: KIF14: BP4

Ambry Genetics
Classification: Likely benign for Inborn genetic diseases. Last evaluated: 2025-05-23. Review status: criteria provided, single submitter. Criteria: Ambry Variant Classification Scheme 2023. Collection method: clinical testing. Allele origin: germline.